The following is an entry in ClinVar:

ClinVar aggregate classification (germline): Uncertain significance (1 of 4 stars; one submission).

gnomAD v4.1: 9 of 1,613,162 alleles (0.00056%); highest among the groups gnomAD compares: Admixed American, 0.0033%; no homozygotes.

Submission:

Labcorp Genetics (formerly Invitae), Labcorp
Classification: Uncertain significance. Last evaluated: 2024-10-25. Review status: criteria provided, single submitter. Criteria: Invitae Variant Classification Sherloc (09022015). Collection method: clinical testing. Allele origin: germline.
Comment: This sequence change replaces arginine, which is basic and polar, with cysteine, which is neutral and slightly polar, at codon 499 of the MYSM1 protein (p.Arg499Cys). This variant is present in population databases (rs753820164, gnomAD 0.009%). This variant has not been reported in the literature in individuals affected with MYSM1-related conditions. An algorithm developed to predict the effect of missense changes on protein structure and function (PolyPhen-2) suggests that this variant is likely to be disruptive. In summary, the available evidence is currently insufficient to determine the role of this variant in disease. Therefore, it has been classified as a Variant of Uncertain Significance.

NM_001085487.3(MYSM1):c.1495C>T (p.Arg499Cys)

Gene: MYSM1 (Myb like, SWIRM and MPN domains 1; minus strand). Cytogenetic location: 1p32.1.
Variant type: single nucleotide variant.
Coding change: c.1495C>T on transcript NM_001085487.3 (MANE Select); coding-DNA position 1495, C replaced by T.
Protein change: p.Arg499Cys; replaces arginine 499 with cysteine.
Molecular consequence: missense variant.
Genome position (GRCh38, 1-based): chr1:58,673,650, G>A on the plus strand (C>T on the coding strand, the complement: MYSM1 is on the minus strand). VCF-style: chr1-58673650-G-A. GRCh37 (hg19) VCF-style: chr1-59139322-G-A.
Other names: short protein forms R499C.
Identifiers: ClinVar variation 3708719 (VCV003708719.1).